The following is an entry in ClinVar:

NM_004415.4(DSP):c.2091A>T (p.Gly697=)

Gene: DSP (desmoplakin; plus strand). Cytogenetic location: 6p24.3.
Variant type: single nucleotide variant.
Coding change: c.2091A>T on transcript NM_004415.4 (MANE Select); coding-DNA position 2091, A replaced by T.
Protein change: p.Gly697=; no amino-acid change (glycine 697 retained).
Molecular consequence: synonymous variant.
Genome position (GRCh38, 1-based): chr6:7,572,029, A>T. VCF-style: chr6-7572029-A-T. GRCh37 (hg19) VCF-style: chr6-7572262-A-T.
Other names: c.2091G>T (LRG_423t1); c.2091A>T, p.Gly697= (NM_001008844.3, NM_001319034.2).
Identifiers: ClinVar variation 516732 (VCV000516732.16), dbSNP rs2076304, ClinGen allele CA448525570.
Genomic context (GRCh38, chr6:7,572,029, plus strand): 5'-GCAGATAGAGCACTGCGAGGGCAGGATGACTCTCAAAAACCTCCCTCTAGCAGACCAGGG[A>T]TCTTCTCACCACATCACAGTGAAAATTAACGAGCTTAAGGTAGGTATCTGCTAGTATTTT-3'
Protein context (NP_004406.2, residues 687-707): TLKNLPLADQ[Gly697=]SSHHITVKIN

ClinVar aggregate classification (germline): Likely benign. Review status: criteria provided, multiple submitters, no conflicts (2 of 4 stars). 5 submissions from 5 submitters: Likely benign (5). Last evaluated 2025-08-16.

Conditions:
Arrhythmogenic cardiomyopathy with wooly hair and keratoderma. Also called: PALMOPLANTAR KERATODERMA WITH LEFT VENTRICULAR CARDIOMYOPATHY AND WOOLLY HAIR; Arrhythmogenic cardiomyopathy with woolly hair and keratoderma; Dilated cardiomyopathy with woolly hair and keratoderma; Carvajal syndrome. Identifiers: Orphanet 65282, MedGen C1854063, MONDO:0011581, OMIM 605676.
Arrhythmogenic right ventricular dysplasia 8 (ARVD8). Also called: ARRHYTHMOGENIC RIGHT VENTRICULAR CARDIOMYOPATHY 8; ARRHYTHMOGENIC RIGHT VENTRICULAR DYSPLASIA, FAMILIAL, 8; Arrhythmogenic Right Ventricular Dysplasia/Cardiomyopathy 8. Identifiers: MedGen C1843896, MONDO:0011831, OMIM 607450.
Cardiomyopathy (CMYO). Also called: Cardiomyopathies. Identifiers: Orphanet 167848, MedGen C0878544, MONDO:0004994, HP:0001638. Inheritance: Various modes of inheritance.
Lethal acantholytic epidermolysis bullosa (EBLA). Identifiers: Orphanet 158687, MedGen C1864826, MONDO:0012323, OMIM 609638.
Keratosis palmoplantaris striata 2. Also called: Keratosis palmoplantaris striata II; KERATODERMA, PALMOPLANTAR, STRIATE FORM II; STRIATE PALMOPLANTAR KERATODERMA II. Identifiers: MedGen C1852127, MONDO:0013034, OMIM 612908.
Woolly hair-skin fragility syndrome (WHSF). Identifiers: Orphanet 293165, MedGen C1843292, MONDO:0957307, OMIM 620415.
Cardiomyopathy, dilated, with wooly hair, keratoderma, and tooth agenesis. Also called: Cardiomyopathy, dilated, with woolly hair, keratoderma, and tooth agenesis; Erythrokeratodermia-cardiomyopathy syndrome. Identifiers: Orphanet 476096, Orphanet 65282, MedGen C4014393, MONDO:0014355, OMIM 615821.

gnomAD v4.1: 23 of 1,613,870 alleles (0.0014%); highest among the groups gnomAD compares: Non-Finnish European, 0.0019%; no homozygotes.

Submissions (5):

Labcorp Genetics (formerly Invitae), Labcorp
Classification: Likely benign for Arrhythmogenic cardiomyopathy with wooly hair and keratoderma; Arrhythmogenic right ventricular dysplasia 8. Last evaluated: 2025-08-16. Review status: criteria provided, single submitter. Criteria: Invitae Variant Classification Sherloc (09022015). Collection method: clinical testing. Allele origin: germline.

All of Us Research Program, National Institutes of Health
Classification: Likely benign for Arrhythmogenic cardiomyopathy with wooly hair and keratoderma. Last evaluated: 2023-06-26. Review status: criteria provided, single submitter. Criteria: ACMG Guidelines, 2015. Collection method: clinical testing. Allele origin: germline. Inheritance: Autosomal dominant inheritance. Observed: 2 variant alleles, 2 heterozygotes.
Comment: This study involves interpretation of variants in research participants for the purpose of population health screening. Participant phenotype was not available at the time of variant classification. Additional details can be found in publication PMID: 35346344, PMCID: PMC8962531

Color Diagnostics, LLC DBA Color Health
Classification: Likely benign for Cardiomyopathy. Last evaluated: 2022-11-06. Review status: criteria provided, single submitter. Criteria: ACMG Guidelines, 2015. Collection method: clinical testing. Allele origin: germline.

Fulgent Genetics
Classification: Likely benign for Arrhythmogenic cardiomyopathy with wooly hair and keratoderma; Arrhythmogenic right ventricular dysplasia 8; Lethal acantholytic epidermolysis bullosa; Keratosis palmoplantaris striata 2; Cardiomyopathy, dilated, with wooly hair, keratoderma, and tooth agenesis. Last evaluated: 2021-08-25. Review status: criteria provided, single submitter. Criteria: ACMG Guidelines, 2015. Collection method: clinical testing. Allele origin: unknown.

GeneDx
Classification: Likely benign. Last evaluated: 2020-01-20. Review status: criteria provided, single submitter. Criteria: GeneDx Variant Classification Process June 2021. Collection method: clinical testing. Allele origin: germline. Affected: yes.